The following is an entry in ClinVar:

NM_001286.5(CLCN6):c.2233A>G (p.Ile745Val)

Gene: CLCN6 (chloride voltage-gated channel 6; plus strand). Cytogenetic location: 1p36.22.
Variant type: single nucleotide variant.
Coding change: c.2233A>G on transcript NM_001286.5 (MANE Select); coding-DNA position 2233, A replaced by G.
Protein change: p.Ile745Val; replaces isoleucine 745 with valine.
Molecular consequence: missense variant. On other transcripts: non-coding transcript variant (1).
Genome position (GRCh38, 1-based): chr1:11,837,437, A>G. VCF-style: chr1-11837437-A-G. GRCh37 (hg19) VCF-style: chr1-11897494-A-G.
Other names: c.2167A>G, p.Ile723Val (NM_001256959.2); short protein forms I723V, I745V.
Identifiers: ClinVar variation 2104882 (VCV002104882.4), dbSNP rs2523172340, ClinGen allele CA338441145.

ClinVar aggregate classification (germline): Uncertain significance (1 of 4 stars; one submission).

Allele frequency attached by ClinVar (database versions not stated): gnomAD exomes below 0.00001.
gnomAD v4.1: 1 of 1,614,106 alleles (0.000062%); highest among the groups gnomAD compares: Non-Finnish European, 0.000085%; no homozygotes.

Submission:

Labcorp Genetics (formerly Invitae), Labcorp
Classification: Uncertain significance. Last evaluated: 2022-02-28. Review status: criteria provided, single submitter. Criteria: Invitae Variant Classification Sherloc (09022015). Collection method: clinical testing. Allele origin: germline.
Comment: In summary, the available evidence is currently insufficient to determine the role of this variant in disease. Therefore, it has been classified as a Variant of Uncertain Significance. Algorithms developed to predict the effect of missense changes on protein structure and function output the following: SIFT: "Tolerated"; PolyPhen-2: "Benign"; Align-GVGD: "Class C0". The valine amino acid residue is found in multiple mammalian species, which suggests that this missense change does not adversely affect protein function. This variant has not been reported in the literature in individuals affected with CLCN6-related conditions. This variant is not present in population databases (gnomAD no frequency). This sequence change replaces isoleucine, which is neutral and non-polar, with valine, which is neutral and non-polar, at codon 745 of the CLCN6 protein (p.Ile745Val).